The following is an entry in ClinVar:

NM_001754.5(RUNX1):c.158G>A (p.Ser53Asn)

Gene: RUNX1 (RUNX family transcription factor 1; minus strand). Cytogenetic location: 21q22.12.
Variant type: single nucleotide variant.
Coding change: c.158G>A on transcript NM_001754.5 (MANE Select); coding-DNA position 158, G replaced by A.
Protein change: p.Ser53Asn; replaces serine 53 with asparagine.
Molecular consequence: missense variant.
Genome position (GRCh38, 1-based): chr21:34,887,036, C>T on the plus strand (G>A on the coding strand, the complement: RUNX1 is on the minus strand). VCF-style: chr21-34887036-C-T. GRCh37 (hg19) VCF-style: chr21-36259333-C-T.
Other names: c.77G>A, p.Ser26Asn (NM_001001890.3, NM_001122607.2); short protein forms S53N, S26N.
Identifiers: ClinVar variation 5028591 (VCV005028591.1).

ClinVar aggregate classification (germline): Uncertain significance (1 of 4 stars; one submission).

Conditions:
Inborn genetic diseases. Identifiers: MedGen C0950123, MeSH D030342.

gnomAD v4.1: 2 of 1,601,276 alleles (0.00012%); highest among the groups gnomAD compares: South Asian, 0.0011%; no homozygotes.

Submission:

Ambry Genetics
Classification: Uncertain significance for Inborn genetic diseases. Last evaluated: 2026-07-21. Review status: criteria provided, single submitter. Criteria: Ambry Variant Classification Scheme 2023. Collection method: clinical testing. Allele origin: germline.
Comment: The p.S53N variant (also known as c.158G>A), located in coding exon 3 of the RUNX1 gene, results from a G to A substitution at nucleotide position 158. The serine at codon 53 is replaced by asparagine, an amino acid with highly similar properties. This amino acid position is conserved. In addition, this alteration is predicted to be tolerated by in silico analysis. Based on the available evidence, the clinical significance of this variant remains unclear.